The following is an entry in ClinVar:

ClinVar aggregate classification (germline): Uncertain significance (1 of 4 stars; one submission).

Submission:

GeneDx
Classification: Uncertain significance. Last evaluated: 2024-07-17. Review status: criteria provided, single submitter. Criteria: GeneDx Variant Classification Process June 2021. Collection method: clinical testing. Allele origin: germline. Affected: yes.
Comment: Not observed at significant frequency in large population cohorts (gnomAD); In silico analysis indicates that this missense variant does not alter protein structure/function; Has not been previously published as pathogenic or benign to our knowledge

NM_015100.4(POGZ):c.3305G>A (p.Gly1102Glu)

Gene: POGZ (pogo transposable element derived with ZNF domain; minus strand). Cytogenetic location: 1q21.3.
Variant type: single nucleotide variant.
Coding change: c.3305G>A on transcript NM_015100.4 (MANE Select); coding-DNA position 3305, G replaced by A.
Protein change: p.Gly1102Glu; replaces glycine 1102 with glutamic acid.
Molecular consequence: missense variant.
Genome position (GRCh38, 1-based): chr1:151,405,730, C>T on the plus strand (G>A on the coding strand, the complement: POGZ is on the minus strand). VCF-style: chr1-151405730-C-T. GRCh37 (hg19) VCF-style: chr1-151378206-C-T.
Other names: c.3278G>A, p.Gly1093Glu (NM_001194937.2); c.3119G>A, p.Gly1040Glu (NM_001194938.2); c.3326G>A, p.Gly1109Glu (NM_001410860.1); c.3020G>A, p.Gly1007Glu (NM_145796.4); c.3146G>A, p.Gly1049Glu (NM_207171.2); short protein forms G1007E, G1040E, G1049E, G1093E, G1102E, G1109E.
Identifiers: ClinVar variation 3573885 (VCV003573885.1).